The following is an entry in ClinVar:

NM_001130144.3(LTBP3):c.3001G>T (p.Gly1001Trp)

Genes: LTBP3 (latent transforming growth factor beta binding protein 3; minus strand), LOC121832793 (Sharpr-MPRA regulatory region 4001; plus strand). Cytogenetic location: 11q13.1.
Variant type: single nucleotide variant.
Coding change: c.3001G>T on transcript NM_001130144.3 (MANE Select); coding-DNA position 3001, G replaced by T.
Protein change: p.Gly1001Trp; replaces glycine 1001 with tryptophan.
Molecular consequence: missense variant.
Genome position (GRCh38, 1-based): chr11:65,540,591, C>A on the plus strand (G>T on the coding strand, the complement: LTBP3 is on the minus strand). VCF-style: chr11-65540591-C-A. GRCh37 (hg19) VCF-style: chr11-65308062-C-A.
Other names: c.2650G>T, p.Gly884Trp (NM_001164266.1); c.3001G>T, p.Gly1001Trp (NM_021070.4); short protein forms G1001W, G884W.
Identifiers: ClinVar variation 2447589 (VCV002447589.2), dbSNP rs752828747, ClinGen allele CA381267886.

ClinVar aggregate classification (germline): Uncertain significance (1 of 4 stars; one submission).

Conditions:
Inborn genetic diseases. Identifiers: MedGen C0950123, MeSH D030342.

gnomAD v4.1: 1 of 1,613,312 alleles (0.000062%); highest among the groups gnomAD compares: Non-Finnish European, 0.000085%; no homozygotes.

Submission:

Ambry Genetics
Classification: Uncertain significance for Inborn genetic diseases. Last evaluated: 2023-01-12. Review status: criteria provided, single submitter. Criteria: Ambry Variant Classification Scheme 2023. Collection method: clinical testing. Allele origin: germline.
Comment: The p.G1001W variant (also known as c.3001G>T), located in coding exon 22 of the LTBP3 gene, results from a G to T substitution at nucleotide position 3001. The glycine at codon 1001 is replaced by tryptophan, an amino acid with highly dissimilar properties. This amino acid position is conserved. In addition, this alteration is predicted to be deleterious by in silico analysis. Since supporting evidence is limited at this time, the clinical significance of this alteration remains unclear.